The following is an entry in ClinVar:

NM_000817.3(GAD1):c.269G>A (p.Arg90His)

Gene: GAD1 (glutamate decarboxylase 1; plus strand). Cytogenetic location: 2q31.1.
Variant type: single nucleotide variant.
Coding change: c.269G>A on transcript NM_000817.3 (MANE Select); coding-DNA position 269, G replaced by A.
Protein change: p.Arg90His; replaces arginine 90 with histidine.
Molecular consequence: missense variant.
Genome position (GRCh38, 1-based): chr2:170,829,598, G>A. VCF-style: chr2-170829598-G-A. GRCh37 (hg19) VCF-style: chr2-171686108-G-A.
Other names: c.269G>A, p.Arg90His (NM_013445.4); short protein forms R90H.
Identifiers: ClinVar variation 965587 (VCV000965587.10), dbSNP rs372095902, ClinGen allele CA1962574.
Genomic context (GRCh38, chr2:170,829,598, plus strand): 5'-GGCAATCCTCCAAGAACCTGCTTTCCTGTGAAAACAGCGACCGGGATGCCCGCTTCCGGC[G>A]CACAGAGACTGACTTCTCTAATCTGTTTGCTAGAGGTAGCCCCTGCCCCACTCCCGCCCC-3'
Protein context (NP_000808.2, residues 80-100): ENSDRDARFR[Arg90His]TETDFSNLFA

ClinVar aggregate classification (germline): Uncertain significance. Review status: criteria provided, multiple submitters, no conflicts (2 of 4 stars). 2 submissions from 2 submitters: Uncertain significance (2). Last evaluated 2024-08-26.

Conditions:
Inborn genetic diseases. Identifiers: MedGen C0950123, MeSH D030342.
Neurodevelopmental disorder with progressive spasticity and brain white matter abnormalities. Also called: CEREBRAL PALSY, SPASTIC QUADRIPLEGIC, 1. Identifiers: Orphanet 210141, Orphanet 641353, MedGen C5436628, MONDO:0033613, OMIM 619026.

Allele frequency attached by ClinVar (database versions not stated): gnomAD exomes 0.00001 and 0.00006; gnomAD 0.00011 and 0.00012; ExAC 0.00007; TOPMed 0.00010.
gnomAD v4.1: 72 of 1,613,498 alleles (0.0045%); highest among the groups gnomAD compares: East Asian, 0.033%; 1 homozygote.

Submissions (2):

Ambry Genetics
Classification: Uncertain significance for Inborn genetic diseases. Last evaluated: 2024-08-26. Review status: criteria provided, single submitter. Criteria: Ambry Variant Classification Scheme 2023. Collection method: clinical testing. Allele origin: germline.

Labcorp Genetics (formerly Invitae), Labcorp
Classification: Uncertain significance for Neurodevelopmental disorder with progressive spasticity and brain white matter abnormalities. Last evaluated: 2022-07-09. Review status: criteria provided, single submitter. Criteria: Invitae Variant Classification Sherloc (09022015). Collection method: clinical testing. Allele origin: germline.
Comment: This sequence change replaces arginine, which is basic and polar, with histidine, which is basic and polar, at codon 90 of the GAD1 protein (p.Arg90His). This variant is present in population databases (rs372095902, gnomAD 0.05%), including at least one homozygous and/or hemizygous individual. This variant has not been reported in the literature in individuals affected with GAD1-related conditions. ClinVar contains an entry for this variant (Variation ID: 965587). Algorithms developed to predict the effect of missense changes on protein structure and function are either unavailable or do not agree on the potential impact of this missense change (SIFT: "Deleterious"; PolyPhen-2: "Benign"; Align-GVGD: "Class C0"). In summary, the available evidence is currently insufficient to determine the role of this variant in disease. Therefore, it has been classified as a Variant of Uncertain Significance.